The following is an entry in ClinVar:

NM_015057.5(MYCBP2):c.8420G>A (p.Ser2807Asn)

Gene: MYCBP2 (MYC binding protein 2; minus strand). Cytogenetic location: 13q22.3.
Variant type: single nucleotide variant.
Coding change: c.8420G>A on transcript NM_015057.5 (MANE Select); coding-DNA position 8420, G replaced by A.
Protein change: p.Ser2807Asn; replaces serine 2807 with asparagine.
Molecular consequence: missense variant.
Genome position (GRCh38, 1-based): chr13:77,098,734, C>T on the plus strand (G>A on the coding strand, the complement: MYCBP2 is on the minus strand). VCF-style: chr13-77098734-C-T. GRCh37 (hg19) VCF-style: chr13-77672869-C-T.
Other names: short protein forms S2807N.
Identifiers: ClinVar variation 4980245 (VCV004980245.1).

ClinVar aggregate classification (germline): Uncertain significance (1 of 4 stars; one submission).

Conditions:
MYCBP2-related disorder. Also called: MYCBP2-related condition.

gnomAD v4.1: 29 of 1,613,282 alleles (0.0018%); highest among the groups gnomAD compares: Non-Finnish European, 0.0024%; no homozygotes.

Submission:

PreventionGenetics, part of Exact Sciences
Classification: Uncertain significance for MYCBP2-related condition. Last evaluated: 2025-07-02. Review status: criteria provided, single submitter. Criteria: ACMG Guidelines, 2015. Collection method: clinical testing. Allele origin: germline.
Comment: The MYCBP2 c.8420G>A variant is predicted to result in the amino acid substitution p.Ser2807Asn. To our knowledge, this variant has not been reported in the literature. This variant is reported in 0.0040% of alleles in individuals of African descent in gnomAD. At this time, the clinical significance of this variant is uncertain due to the absence of conclusive functional and genetic evidence.